The following is an entry in ClinVar:

NM_006268.5(DPF2):c.90C>T (p.Arg30=)

Gene: DPF2 (double PHD fingers 2; plus strand). Cytogenetic location: 11q13.1.
Variant type: single nucleotide variant.
Coding change: c.90C>T on transcript NM_006268.5 (MANE Select); coding-DNA position 90, C replaced by T.
Protein change: p.Arg30=; no amino-acid change (arginine 30 retained).
Molecular consequence: synonymous variant.
Genome position (GRCh38, 1-based): chr11:65,340,442, C>T. VCF-style: chr11-65340442-C-T. GRCh37 (hg19) VCF-style: chr11-65107913-C-T.
Other names: c.90C>T (NM_001330308.1); c.90C>T, p.Arg30= (NM_001330308.2).
Identifiers: ClinVar variation 1589308 (VCV001589308.11), dbSNP rs4647578, ClinGen allele CA6095166.
Genomic context (GRCh38, chr11:65,340,442, plus strand): 5'-CAGCCTTGGGGAGCAGTACTACAAAGATGCCATGGAGCAGTGCCACAATTACAATGCTCG[C>T]CTCTGTGCTGAGCGCAGCGTGCGCCTGCCTTTCTTGGACTCACAGACCGGAGTAGCCCAG-3'
Protein context (NP_006259.1, residues 20-40): AMEQCHNYNA[Arg30=]LCAERSVRLP

ClinVar aggregate classification (germline): Benign. Review status: criteria provided, multiple submitters, no conflicts (2 of 4 stars). 3 submissions from 3 submitters: Benign (2). 1 of the submissions does not count toward it. Last evaluated 2026-01-28.

Conditions:
DPF2-related disorder. Also called: DPF2-related condition.

Allele frequency attached by ClinVar (database versions not stated): TOPMed 0.01243; gnomAD exomes 0.00109 and 0.00258; ExAC 0.00309; 1000 Genomes Project 0.00978; 1000 Genomes Project 30x 0.00984; gnomAD 0.01079 and 0.01168; ESP Exome Variant Server 0.01139.
gnomAD v4.1: 3,312 of 1,614,250 alleles (0.21%); highest among the groups gnomAD compares: African/African-American, 3.8%; 63 homozygotes.

Submissions (3):

Labcorp Genetics (formerly Invitae), Labcorp
Classification: Benign. Last evaluated: 2026-01-28. Review status: criteria provided, single submitter. Criteria: Invitae Variant Classification Sherloc (09022015). Collection method: clinical testing. Allele origin: germline.

Breakthrough Genomics
Classification: Benign. Review status: criteria provided, single submitter. Criteria: ACMG Guidelines, 2015. Collection method: not provided. Allele origin: germline. Inheritance: Autosomal dominant inheritance. Affected: yes.

PreventionGenetics, part of Exact Sciences
Classification: Benign for DPF2-related condition. Last evaluated: 2019-07-15. Review status: no assertion criteria provided. Collection method: clinical testing. Allele origin: germline. Not counted in ClinVar's aggregate classification.
Comment: This variant is classified as benign based on ACMG/AMP sequence variant interpretation guidelines (Richards et al. 2015 PMID: 25741868, with internal and published modifications).